The following is an entry in ClinVar:

ClinVar aggregate classification (germline): Uncertain significance. Review status: criteria provided, multiple submitters, no conflicts (2 of 4 stars). 3 submissions from 3 submitters: Uncertain significance (3). Last evaluated 2024-12-11.

Conditions:
Inborn genetic diseases. Identifiers: MedGen C0950123, MeSH D030342.

Allele frequency attached by ClinVar (database versions not stated): gnomAD exomes 0.00003; ExAC 0.00004; gnomAD 0.00005 and 0.00006; TOPMed 0.00009.
gnomAD v4.1: 88 of 1,613,686 alleles (0.0055%); highest among the groups gnomAD compares: African/African-American, 0.012%; no homozygotes.

Submissions (3):

Ambry Genetics
Classification: Uncertain significance for Inborn genetic diseases. Last evaluated: 2024-12-11. Review status: criteria provided, single submitter. Criteria: Ambry Variant Classification Scheme 2023. Collection method: clinical testing. Allele origin: germline.

Labcorp Genetics (formerly Invitae), Labcorp
Classification: Uncertain significance. Last evaluated: 2022-06-14. Review status: criteria provided, single submitter. Criteria: Invitae Variant Classification Sherloc (09022015). Collection method: clinical testing. Allele origin: germline.
Comment: This sequence change replaces proline, which is neutral and non-polar, with leucine, which is neutral and non-polar, at codon 555 of the ZNF335 protein (p.Pro555Leu). This variant is present in population databases (rs756223963, gnomAD 0.02%). This variant has not been reported in the literature in individuals affected with ZNF335-related conditions. ClinVar contains an entry for this variant (Variation ID: 212642). Algorithms developed to predict the effect of missense changes on protein structure and function (SIFT, PolyPhen-2, Align-GVGD) all suggest that this variant is likely to be tolerated. In summary, the available evidence is currently insufficient to determine the role of this variant in disease. Therefore, it has been classified as a Variant of Uncertain Significance.

Genetic Services Laboratory, University of Chicago
Classification: Uncertain significance. Last evaluated: 2015-05-04. Review status: criteria provided, single submitter. Criteria: ACMG Guidelines, 2015. Collection method: clinical testing. Allele origin: germline.

NM_022095.4(ZNF335):c.1664C>T (p.Pro555Leu)

Gene: ZNF335 (zinc finger protein 335; minus strand). Cytogenetic location: 20q13.12.
Variant type: single nucleotide variant.
Coding change: c.1664C>T on transcript NM_022095.4 (MANE Select); coding-DNA position 1664, C replaced by T.
Protein change: p.Pro555Leu; replaces proline 555 with leucine.
Molecular consequence: missense variant.
Genome position (GRCh38, 1-based): chr20:45,960,865, G>A on the plus strand (C>T on the coding strand, the complement: ZNF335 is on the minus strand). VCF-style: chr20-45960865-G-A. GRCh37 (hg19) VCF-style: chr20-44589504-G-A.
Other names: short protein forms P555L.
Identifiers: ClinVar variation 212642 (VCV000212642.8), dbSNP rs756223963, ClinGen allele CA209664.